The following is an entry in ClinVar:

NM_001291303.3(FAT4):c.10010A>G (p.Tyr3337Cys)

Gene: FAT4 (FAT atypical cadherin 4; plus strand). Cytogenetic location: 4q28.1.
Variant type: single nucleotide variant.
Coding change: c.10010A>G on transcript NM_001291303.3 (MANE Select); coding-DNA position 10010, A replaced by G.
Protein change: p.Tyr3337Cys; replaces tyrosine 3337 with cysteine.
Molecular consequence: missense variant.
Genome position (GRCh38, 1-based): chr4:125,451,020, A>G. VCF-style: chr4-125451020-A-G. GRCh37 (hg19) VCF-style: chr4-126372175-A-G.
Other names: c.10010A>G, p.Tyr3337Cys (NM_001291285.3); c.10004A>G, p.Tyr3335Cys (NM_024582.6); c.10004A>G (NM_024582.4, NM_024582.5); short protein forms Y3337C, Y3335C.
Identifiers: ClinVar variation 1981252 (VCV001981252.4), dbSNP rs745988075, ClinGen allele CA3073618.

ClinVar aggregate classification (germline): Uncertain significance. Review status: criteria provided, multiple submitters, no conflicts (2 of 4 stars). 3 submissions from 3 submitters: Uncertain significance (3). Last evaluated 2024-09-10.

Conditions:
Inborn genetic diseases. Identifiers: MedGen C0950123, MeSH D030342.
Hennekam lymphangiectasia-lymphedema syndrome 2 (HKLLS2). Identifiers: Orphanet 2136, MedGen C4014939, MONDO:0014454, OMIM 616006.
Van Maldergem syndrome 2 (VMLDS2). Identifiers: Orphanet 314679, MedGen C3809875, MONDO:0014242, OMIM 615546.

Allele frequency attached by ClinVar (database versions not stated): gnomAD 0.00002; gnomAD exomes 0.00002; TOPMed 0.00002; ExAC 0.00005.
gnomAD v4.1: 32 of 1,613,918 alleles (0.002%); highest among the groups gnomAD compares: Non-Finnish European, 0.00034%; no homozygotes.

Submissions (3):

Ambry Genetics
Classification: Uncertain significance for Inborn genetic diseases. Last evaluated: 2024-09-10. Review status: criteria provided, single submitter. Criteria: Ambry Variant Classification Scheme 2023. Collection method: clinical testing. Allele origin: germline.

Fulgent Genetics
Classification: Uncertain significance for Van Maldergem syndrome 2; Hennekam lymphangiectasia-lymphedema syndrome 2. Last evaluated: 2024-01-29. Review status: criteria provided, single submitter. Criteria: ACMG Guidelines, 2015. Collection method: clinical testing. Allele origin: germline.

Labcorp Genetics (formerly Invitae), Labcorp
Classification: Uncertain significance. Last evaluated: 2022-10-26. Review status: criteria provided, single submitter. Criteria: Invitae Variant Classification Sherloc (09022015). Collection method: clinical testing. Allele origin: germline.
Comment: In summary, the available evidence is currently insufficient to determine the role of this variant in disease. Therefore, it has been classified as a Variant of Uncertain Significance. Advanced modeling of protein sequence and biophysical properties (such as structural, functional, and spatial information, amino acid conservation, physicochemical variation, residue mobility, and thermodynamic stability) performed at Invitae indicates that this missense variant is not expected to disrupt FAT4 protein function. This variant has not been reported in the literature in individuals affected with FAT4-related conditions. This variant is present in population databases (rs745988075, gnomAD 0.09%). This sequence change replaces tyrosine, which is neutral and polar, with cysteine, which is neutral and slightly polar, at codon 3335 of the FAT4 protein (p.Tyr3335Cys).